The following is an entry in ClinVar:

ClinVar aggregate classification (germline): Pathogenic. Review status: criteria provided, multiple submitters, no conflicts (2 of 4 stars). 3 submissions from 3 submitters: Pathogenic (3). Last evaluated 2025-09-10.

Conditions:
Hereditary cancer-predisposing syndrome. Also called: Tumor predisposition; Hereditary Cancer Syndrome; Hereditary neoplastic syndrome; Neoplastic Syndromes, Hereditary. Identifiers: Orphanet 140162, MedGen C0027672, MeSH D009386, MONDO:0015356.
Familial adenomatous polyposis 2. Also called: FAP type 2; MUTYH Polyposis; COLORECTAL ADENOMATOUS POLYPOSIS, AUTOSOMAL RECESSIVE; ADENOMAS, MULTIPLE COLORECTAL, AUTOSOMAL RECESSIVE; MUTYH-associated polyposis; MUTYH-related attenuated familial adenomatous polyposis. Identifiers: Orphanet 220460, Orphanet 247798, MedGen C3272841, MONDO:0012041, OMIM 608456.

Allele frequency attached by ClinVar (database versions not stated): gnomAD exomes below 0.00001; ExAC 0.00001.

Submissions (3):

Genomic Medicine Center of Excellence, King Faisal Specialist Hospital and Research Centre
Classification: Pathogenic for Familial adenomatous polyposis 2. Last evaluated: 2025-09-10. Review status: criteria provided, single submitter. Criteria: ACMG Guidelines, 2015. Collection method: clinical testing. Allele origin: germline.

Labcorp Genetics (formerly Invitae), Labcorp
Classification: Pathogenic for Familial adenomatous polyposis 2. Last evaluated: 2024-12-23. Review status: criteria provided, single submitter. Criteria: Invitae Variant Classification Sherloc (09022015). Collection method: clinical testing. Allele origin: germline.
Comment: This sequence change creates a premature translational stop signal (p.Gln379*) in the MUTYH gene. It is expected to result in an absent or disrupted protein product. Loss-of-function variants in MUTYH are known to be pathogenic (PMID: 18534194, 20663686). This variant is present in population databases (rs745910470, gnomAD 0.003%). This variant has not been reported in the literature in individuals affected with MUTYH-related conditions. ClinVar contains an entry for this variant (Variation ID: 818408). Algorithms developed to predict the effect of sequence changes on RNA splicing suggest that this variant may disrupt the consensus splice site. For these reasons, this variant has been classified as Pathogenic.

Ambry Genetics
Classification: Pathogenic for Hereditary cancer-predisposing syndrome. Last evaluated: 2023-11-22. Review status: criteria provided, single submitter. Criteria: Ambry Variant Classification Scheme 2023. Collection method: clinical testing. Allele origin: germline.
Comment: The p.Q379* pathogenic mutation (also known as c.1135C>T), located in coding exon 12 of the MUTYH gene, results from a C to T substitution at nucleotide position 1135. This changes the amino acid from a glutamine to a stop codon within coding exon 12. This variant is considered to be rare based on population cohorts in the Genome Aggregation Database (gnomAD). This alteration is expected to result in loss of function by premature protein truncation or nonsense-mediated mRNA decay. As such, this alteration is interpreted as a disease-causing mutation.

Literature cited by the submitters: PubMed 18534194 (cited by Labcorp Genetics (formerly Invitae), Labcorp); PubMed 20663686 (cited by Labcorp Genetics (formerly Invitae), Labcorp).

NM_001048174.2(MUTYH):c.1051C>T (p.Gln351Ter)

Gene: MUTYH (mutY DNA glycosylase; minus strand). Cytogenetic location: 1p34.1.
Variant type: single nucleotide variant.
Coding change: c.1051C>T on transcript NM_001048174.2 (MANE Select); coding-DNA position 1051, C replaced by T.
Protein change: p.Gln351Ter; replaces glutamine 351 with a stop codon.
Molecular consequence: nonsense. On other transcripts: non-coding transcript variant (2).
Genome position (GRCh38, 1-based): chr1:45,331,712, G>A on the plus strand (C>T on the coding strand, the complement: MUTYH is on the minus strand). VCF-style: chr1-45331712-G-A. GRCh37 (hg19) VCF-style: chr1-45797384-G-A.
Other names: c.1051C>T, p.Gln351Ter (NM_001048171.2, NM_001048173.2, NM_001293195.2); c.1054C>T, p.Gln352Ter (NM_001048172.2); c.1135C>T, p.Gln379Ter (NM_001128425.2); c.1096C>T, p.Gln366Ter (NM_001293190.2); c.1084C>T, p.Gln362Ter (NM_001293191.2); c.775C>T, p.Gln259Ter (NM_001293192.2, NM_001293196.2); c.706C>T, p.Gln236Ter (NM_001350650.2, NM_001350651.2); c.1126C>T, p.Gln376Ter (NM_012222.3); short protein forms Q376*, Q362*, Q379*, Q351*, Q352*, Q366*, Q236*, Q259*.
Identifiers: ClinVar variation 818408 (VCV000818408.10), dbSNP rs745910470, ClinGen allele CA055177.